The following is an entry in ClinVar:

NM_000222.3(KIT):c.1185C>A (p.Ser395=)

Gene: KIT (KIT proto-oncogene, receptor tyrosine kinase; plus strand). Cytogenetic location: 4q12.
Variant type: single nucleotide variant.
Coding change: c.1185C>A on transcript NM_000222.3 (MANE Select); coding-DNA position 1185, C replaced by A.
Protein change: p.Ser395=; no amino-acid change (serine 395 retained).
Molecular consequence: synonymous variant.
Genome position (GRCh38, 1-based): chr4:54,709,493, C>A. VCF-style: chr4-54709493-C-A. GRCh37 (hg19) VCF-style: chr4-55575659-C-A.
Other names: c.1185C>A, p.Ser395= (NM_001093772.2, NM_001385285.1, NM_001385286.1); c.1188C>A, p.Ser396= (NM_001385284.1, NM_001385288.1, NM_001385290.1 and 1 more transcripts).
Identifiers: ClinVar variation 528635 (VCV000528635.20), dbSNP rs755864184, ClinGen allele CA439288776.

ClinVar aggregate classification (germline): Conflicting classifications of pathogenicity. Review status: criteria provided, conflicting classifications (1 of 4 stars). 6 submissions from 4 submitters: Uncertain significance (3); Benign (1); Likely benign (2). Last evaluated 2026-06-03.

Conditions:
Hereditary cancer-predisposing syndrome. Also called: Tumor predisposition; Hereditary neoplastic syndrome; Hereditary Cancer Syndrome; Neoplastic Syndromes, Hereditary. Identifiers: Orphanet 140162, MedGen C0027672, MeSH D009386, MONDO:0015356.
Piebaldism. Also called: Piebald skin depigmentation. Identifiers: Orphanet 2884, MedGen C0080024, MONDO:0008244, OMIM 172800, HP:0007544.
Mastocytosis. Also called: Mast Cell Disease. Identifiers: Orphanet 98292, MedGen C0024899, MONDO:0007950, HP:0100495.
Gastrointestinal stromal tumor. Also called: Gastrointestinal stroma tumor; Gastrointestinal stromal tumor, somatic. Identifiers: Orphanet 44890, MedGen C0238198, MeSH D046152, MONDO:0011719, OMIM 606764, HP:0100723.

Allele frequency attached by ClinVar (database versions not stated): TOPMed 0.00002.
gnomAD v4.1: 11 of 1,613,144 alleles (0.00068%); highest among the groups gnomAD compares: Non-Finnish European, 0.00093%; no homozygotes.

Submissions (6):

Myriad Genetics, Inc.
Classification: Benign for Gastrointestinal stromal tumor. Last evaluated: 2026-06-03. Review status: criteria provided, single submitter. Criteria: Myriad Autosomal Dominant, Autosomal Recessive and X-Linked Classification Criteria (2023). Collection method: clinical testing. Allele origin: unknown.
Comment: This variant is considered benign. This variant is a silent/synonymous amino acid change and it is not expected to impact splicing.

Labcorp Genetics (formerly Invitae), Labcorp
Classification: Likely benign for Gastrointestinal stromal tumor. Last evaluated: 2025-12-09. Review status: criteria provided, single submitter. Criteria: Invitae Variant Classification Sherloc (09022015). Collection method: clinical testing. Allele origin: germline.

Ambry Genetics
Classification: Likely benign for Hereditary cancer-predisposing syndrome. Last evaluated: 2022-02-28. Review status: criteria provided, single submitter. Criteria: Ambry Variant Classification Scheme 2023. Collection method: clinical testing. Allele origin: germline.

Illumina Laboratory Services, Illumina
Classification: Uncertain significance for Gastrointestinal stromal tumor. Last evaluated: 2018-01-13. Review status: criteria provided, single submitter. Criteria: ICSL Variant Classification Criteria 13 December 2019. Collection method: clinical testing. Allele origin: germline.

Illumina Laboratory Services, Illumina
Classification: Uncertain significance for Cutaneous mastocytosis. Last evaluated: 2018-01-13. Review status: criteria provided, single submitter. Criteria: ICSL Variant Classification Criteria 13 December 2019. Collection method: clinical testing. Allele origin: germline.

Illumina Laboratory Services, Illumina
Classification: Uncertain significance for Piebaldism. Last evaluated: 2018-01-13. Review status: criteria provided, single submitter. Criteria: ICSL Variant Classification Criteria 13 December 2019. Collection method: clinical testing. Allele origin: germline.